The following is an entry in ClinVar:

NM_001378454.1(ALMS1):c.28G>A (p.Gly10Ser)

Gene: ALMS1 (ALMS1 centrosome and basal body associated protein; plus strand). Cytogenetic location: 2p13.1.
Variant type: single nucleotide variant.
Coding change: c.28G>A on transcript NM_001378454.1 (MANE Select); coding-DNA position 28, G replaced by A.
Protein change: p.Gly10Ser; replaces glycine 10 with serine.
Molecular consequence: missense variant.
Genome position (GRCh38, 1-based): chr2:73,385,896, G>A. VCF-style: chr2-73385896-G-A. GRCh37 (hg19) VCF-style: chr2-73613024-G-A.
Other names: c.28G>A, p.Gly10Ser (NM_015120.4); short protein forms G10S.
Identifiers: ClinVar variation 550329 (VCV000550329.5), dbSNP rs1045405319, ClinGen allele CA50368628.

ClinVar aggregate classification (germline): Uncertain significance. Review status: criteria provided, multiple submitters, no conflicts (2 of 4 stars). 3 submissions from 3 submitters: Uncertain significance (2). 1 of the submissions does not count toward it. Last evaluated 2022-07-15.

Conditions:
Alstrom syndrome (ALMS). Identifiers: Orphanet 64, MedGen C0268425, MONDO:0008763, OMIM 203800.

Allele frequency attached by ClinVar (database versions not stated): gnomAD 0.00001; TOPMed 0.00002; gnomAD exomes 0.00005.
gnomAD v4.1: 7 of 879,918 alleles (0.0008%); highest among the groups gnomAD compares: East Asian, 0.0053%; no homozygotes.

Submissions (3):

Labcorp Genetics (formerly Invitae), Labcorp
Classification: Uncertain significance for Alstrom syndrome. Last evaluated: 2022-07-15. Review status: criteria provided, single submitter. Criteria: Invitae Variant Classification Sherloc (09022015). Collection method: clinical testing. Allele origin: germline.
Comment: This sequence change replaces glycine, which is neutral and non-polar, with serine, which is neutral and polar, at codon 10 of the ALMS1 protein (p.Gly10Ser). The frequency data for this variant in the population databases is considered unreliable, as metrics indicate poor data quality at this position in the gnomAD database. This variant has not been reported in the literature in individuals affected with ALMS1-related conditions. ClinVar contains an entry for this variant (Variation ID: 550329). Experimental studies and prediction algorithms are not available or were not evaluated, and the functional significance of this variant is currently unknown. In summary, the available evidence is currently insufficient to determine the role of this variant in disease. Therefore, it has been classified as a Variant of Uncertain Significance.

Fulgent Genetics
Classification: Uncertain significance for Alstrom syndrome. Last evaluated: 2021-11-02. Review status: criteria provided, single submitter. Criteria: ACMG Guidelines, 2015. Collection method: clinical testing. Allele origin: unknown.

Counsyl
Classification: Uncertain significance for Alstrom syndrome. Last evaluated: 2017-01-11. Review status: no assertion criteria provided. Collection method: clinical testing. Allele origin: unknown. Not counted in ClinVar's aggregate classification.